The following is an entry in ClinVar:

NM_001379286.1(ZNF423):c.3274G>A (p.Val1092Ile)

Gene: ZNF423 (zinc finger protein 423; minus strand). Cytogenetic location: 16q12.1.
Variant type: single nucleotide variant.
Coding change: c.3274G>A on transcript NM_001379286.1 (MANE Select); coding-DNA position 3274, G replaced by A.
Protein change: p.Val1092Ile; replaces valine 1092 with isoleucine.
Molecular consequence: missense variant.
Genome position (GRCh38, 1-based): chr16:49,635,902, C>T on the plus strand (G>A on the coding strand, the complement: ZNF423 is on the minus strand). VCF-style: chr16-49635902-C-T. GRCh37 (hg19) VCF-style: chr16-49669813-C-T.
Other names: c.3070G>A, p.Val1024Ile (NM_001271620.2); c.2899G>A, p.Val967Ile (NM_001330533.2); c.3250G>A, p.Val1084Ile (NM_015069.5); short protein forms V1024I, V967I, V1084I, V1092I.
Identifiers: ClinVar variation 800952 (VCV000800952.8), dbSNP rs759221881, ClinGen allele CA8046350.

ClinVar aggregate classification (germline): Uncertain significance. Review status: criteria provided, single submitter (1 of 4 stars). 2 submissions from 2 submitters: Uncertain significance (1). 1 of the submissions does not count toward it. Last evaluated 2022-07-26.

Conditions:
Nephronophthisis 14 (NPHP14). Identifiers: Orphanet 2318, MedGen C3539071, MONDO:0013916, OMIM 614844.

Allele frequency attached by ClinVar (database versions not stated): gnomAD 0.00001 and 0.00002; TOPMed 0.00002; gnomAD exomes 0.00003 and 0.00006; ExAC 0.00011.
gnomAD v4.1: 38 of 1,581,996 alleles (0.0024%); highest among the groups gnomAD compares: South Asian, 0.032%; no homozygotes.

Submissions (2):

Labcorp Genetics (formerly Invitae), Labcorp
Classification: Uncertain significance for Nephronophthisis 14. Last evaluated: 2022-07-26. Review status: criteria provided, single submitter. Criteria: Invitae Variant Classification Sherloc (09022015). Collection method: clinical testing. Allele origin: germline.
Comment: This sequence change replaces valine, which is neutral and non-polar, with isoleucine, which is neutral and non-polar, at codon 1084 of the ZNF423 protein (p.Val1084Ile). This variant is present in population databases (rs759221881, gnomAD 0.03%). This variant has not been reported in the literature in individuals affected with ZNF423-related conditions. ClinVar contains an entry for this variant (Variation ID: 800952). Algorithms developed to predict the effect of missense changes on protein structure and function (SIFT, PolyPhen-2, Align-GVGD) all suggest that this variant is likely to be tolerated. In summary, the available evidence is currently insufficient to determine the role of this variant in disease. Therefore, it has been classified as a Variant of Uncertain Significance.

Biochemical Molecular Genetic Laboratory, King Abdulaziz Medical City
Classification: Likely pathogenic for Nephronophthisis 14. Last evaluated: 2019-09-26. Review status: no assertion criteria provided. Collection method: clinical testing. Allele origin: germline. Affected: yes. Not counted in ClinVar's aggregate classification.